The following is an entry in ClinVar:

ClinVar aggregate classification (germline): Pathogenic (1 of 4 stars; one submission).

Conditions:
Loeys-Dietz syndrome 4 (LDS4). Also called: ANEURYSM, AORTIC AND CEREBRAL, WITH ARTERIAL TORTUOSITY AND SKELETAL MANIFESTATIONS; TGFB2-Related Loeys-Dietz Syndrome. Identifiers: MedGen C3553762, MONDO:0013897, OMIM 614816.

Submission:

Labcorp Genetics (formerly Invitae), Labcorp
Classification: Pathogenic for Loeys-Dietz syndrome 4. Last evaluated: 2021-04-05. Review status: criteria provided, single submitter. Criteria: Invitae Variant Classification Sherloc (09022015). Collection method: clinical testing. Allele origin: germline.
Comment: This sequence change creates a premature translational stop signal (p.Arg153Serfs*11) in the TGFB2 gene. It is expected to result in an absent or disrupted protein product. Loss-of-function variants in TGFB2 are known to be pathogenic (PMID: 22772368, 22772371, 30739908). For these reasons, this variant has been classified as Pathogenic. This variant has not been reported in the literature in individuals with TGFB2-related conditions. This variant is not present in population databases (ExAC no frequency).

Literature cited by the submitters: PubMed 22772368; PubMed 22772371; PubMed 30739908.

NM_003238.6(TGFB2):c.456dup (p.Arg153fs)

Gene: TGFB2 (transforming growth factor beta 2; plus strand). Cytogenetic location: 1q41.
Variant type: Duplication.
Coding change: c.456dup on transcript NM_003238.6 (MANE Select); coding-DNA position 456, one base duplicated (T; older notation c.456dupT).
Protein change: p.Arg153fs; shifts the reading frame from arginine 153.
Molecular consequence: frameshift variant. On other transcripts: non-coding transcript variant (2).
Genome position (GRCh38, 1-based): chr1:218,405,278, T duplicated; the last of 3 consecutive T bases (chr1:218,405,276-218,405,278); duplicating any one gives the same sequence. VCF-style (leftmost placement, unchanged base first): chr1-218405275-C-CT. GRCh37 (hg19) VCF-style: chr1-218578617-C-CT.
Other names: c.540dup, p.Arg181fs (NM_001135599.4); short protein forms R153fs, R181fs.
Identifiers: ClinVar variation 1351917 (VCV001351917.6), dbSNP rs2102594880, ClinGen allele CA2573132668.